The following is an entry in ClinVar:

ClinVar aggregate classification (germline): Uncertain significance. Review status: criteria provided, multiple submitters, no conflicts (2 of 4 stars). 3 submissions from 3 submitters: Uncertain significance (3). Last evaluated 2025-11-24.

Conditions:
Fanconi anemia complementation group P. Also called: SLX4-Related Fanconi Anemia. Identifiers: Orphanet 84, MedGen C3469542, MONDO:0013499, OMIM 613951.
Fanconi anemia (FA). Also called: Fanconi's anemia. Identifiers: Orphanet 84, MedGen C0015625, MeSH D005199, MONDO:0019391.

Allele frequency attached by ClinVar (database versions not stated): gnomAD 0.00001; TOPMed 0.00001; ESP Exome Variant Server 0.00008; 1000 Genomes Project 30x 0.00016; gnomAD exomes 0.00001; ExAC 0.00003.

Submissions (3):

Dasa
Classification: Uncertain significance for Fanconi anemia complementation group P. Last evaluated: 2025-11-24. Review status: criteria provided, single submitter. Criteria: DASA Assertion Criteria. Collection method: clinical testing. Allele origin: germline.
Comment: NM_032444.4(SLX4):c.5365G>A (p.Gly1789Ser) is a missense variant that results in the substitution of glycine with serine. This variant is rare in population databases. The currently available literature and clinical evidence are not sufficient to establish a definitive association between this variant and the reported condition. Therefore, this variant is classified as a variant of uncertain significance.

Labcorp Genetics (formerly Invitae), Labcorp
Classification: Uncertain significance for Fanconi anemia. Last evaluated: 2021-01-26. Review status: criteria provided, single submitter. Criteria: Invitae Variant Classification Sherloc (09022015). Collection method: clinical testing. Allele origin: germline.
Comment: In summary, the available evidence is currently insufficient to determine the role of this variant in disease. Therefore, it has been classified as a Variant of Uncertain Significance. Algorithms developed to predict the effect of missense changes on protein structure and function (SIFT, PolyPhen-2, Align-GVGD) all suggest that this variant is likely to be disruptive, but these predictions have not been confirmed by published functional studies and their clinical significance is uncertain. This variant has not been reported in the literature in individuals with SLX4-related conditions. ClinVar contains an entry for this variant (Variation ID: 885197). This variant is present in population databases (rs374876624, ExAC 0.02%). This sequence change replaces glycine with serine at codon 1789 of the SLX4 protein (p.Gly1789Ser). The glycine residue is highly conserved and there is a small physicochemical difference between glycine and serine.

Illumina Laboratory Services, Illumina
Classification: Uncertain significance for Fanconi anemia complementation group P. Last evaluated: 2018-01-15. Review status: criteria provided, single submitter. Criteria: ICSL Variant Classification Criteria 13 December 2019. Collection method: clinical testing. Allele origin: germline.

NM_032444.4(SLX4):c.5365G>A (p.Gly1789Ser)

Gene: SLX4 (SLX4 structure-specific endonuclease subunit; minus strand). Cytogenetic location: 16p13.3.
Variant type: single nucleotide variant.
Coding change: c.5365G>A on transcript NM_032444.4 (MANE Select); coding-DNA position 5365, G replaced by A.
Protein change: p.Gly1789Ser; replaces glycine 1789 with serine.
Molecular consequence: missense variant.
Genome position (GRCh38, 1-based): chr16:3,582,482, C>T on the plus strand (G>A on the coding strand, the complement: SLX4 is on the minus strand). VCF-style: chr16-3582482-C-T. GRCh37 (hg19) VCF-style: chr16-3632483-C-T.
Other names: short protein forms G1789S.
Identifiers: ClinVar variation 885197 (VCV000885197.12), dbSNP rs374876624, ClinGen allele CA7865333.